The following is an entry in ClinVar:

NM_000232.5(SGCB):c.583dup (p.Val195fs)

Gene: SGCB (sarcoglycan beta; minus strand). Cytogenetic location: 4q12.
Variant type: Duplication.
Coding change: c.583dup on transcript NM_000232.5 (MANE Select); coding-DNA position 583, one base duplicated (G; older notation c.583dupG).
Protein change: p.Val195fs; shifts the reading frame from valine 195.
Molecular consequence: frameshift variant.
Genome position (GRCh38, 1-based): chr4:52,028,768, C duplicated on the plus strand (G on the coding strand, the reverse complement: SGCB is on the minus strand). VCF-style (leftmost placement, unchanged base first): chr4-52028767-A-AC. GRCh37 (hg19) VCF-style: chr4-52894933-A-AC.
Other names: short protein forms V195fs.
Identifiers: ClinVar variation 2000921 (VCV002000921.4), dbSNP rs2475221549, ClinGen allele CA2580071065.
Genomic context (GRCh38, chr4:52,028,767, plus strand): 5'-AAAACAAAGCCAATAAATCATACCCTTTCAGTAGATGCCTTTTGAACATTCAAACTTTTC[A>AC]CTCCACTTGGCAAATGAAACTCATGAGTTTCATAGTCTGTGCTGAATAAGATATTTTGAG-3'

ClinVar aggregate classification (germline): Pathogenic (1 of 4 stars; one submission).

Conditions:
Autosomal recessive limb-girdle muscular dystrophy type 2E (LGMDR4). Also called: MUSCULAR DYSTROPHY, LIMB-GIRDLE, AUTOSOMAL RECESSIVE 4. Identifiers: Orphanet 119, MedGen C1858593, MONDO:0011423, OMIM 604286. Disease mechanism: Affects gamma-sarcoglycan and also disrupts the integrity of the entire sarcoglycan complex..

Submission:

Labcorp Genetics (formerly Invitae), Labcorp
Classification: Pathogenic for Autosomal recessive limb-girdle muscular dystrophy type 2E. Last evaluated: 2022-06-08. Review status: criteria provided, single submitter. Criteria: Invitae Variant Classification Sherloc (09022015). Collection method: clinical testing. Allele origin: germline.
Comment: This sequence change creates a premature translational stop signal (p.Val195Glyfs*12) in the SGCB gene. It is expected to result in an absent or disrupted protein product. Loss-of-function variants in SGCB are known to be pathogenic (PMID: 15938573, 18285821). For these reasons, this variant has been classified as Pathogenic. This variant has not been reported in the literature in individuals affected with SGCB-related conditions. This variant is not present in population databases (gnomAD no frequency).

Literature cited by the submitters: PubMed 15938573; PubMed 18285821.